The following is an entry in ClinVar:

NM_000836.4(GRIN2D):c.2048A>G (p.Gln683Arg)

Gene: GRIN2D (glutamate ionotropic receptor NMDA type subunit 2D; plus strand). Cytogenetic location: 19q13.33.
Variant type: single nucleotide variant.
Coding change: c.2048A>G on transcript NM_000836.4 (MANE Select); coding-DNA position 2048, A replaced by G.
Protein change: p.Gln683Arg; replaces glutamine 683 with arginine.
Molecular consequence: missense variant.
Genome position (GRCh38, 1-based): chr19:48,419,771, A>G. VCF-style: chr19-48419771-A-G. GRCh37 (hg19) VCF-style: chr19-48923028-A-G.
Other names: short protein forms Q683R.
Identifiers: ClinVar variation 3773684 (VCV003773684.2).

ClinVar aggregate classification (germline): Uncertain significance (1 of 4 stars; one submission).

Conditions:
Developmental and epileptic encephalopathy, 46 (DEE46). Also called: Epileptic encephalopathy, early infantile, 46; GRIN2D-Related Developmental and Epileptic Encephalopathy. Identifiers: MedGen C4310687, MONDO:0014947, OMIM 617162.

Submission:

Institute of Human Genetics, University of Leipzig Medical Center
Classification: Uncertain significance for Developmental and epileptic encephalopathy, 46. Last evaluated: 2025-03-04. Review status: criteria provided, single submitter. Criteria: ACMG Guidelines, 2015. Collection method: clinical testing. Allele origin: unknown. Inheritance: Autosomal dominant inheritance. Affected: yes.
Comment: Criteria applied: PM1,PM2,PP2